The following is an entry in ClinVar:

NM_014714.4(IFT140):c.4163G>A (p.Arg1388Gln)

Gene: IFT140 (intraflagellar transport 140; minus strand). Cytogenetic location: 16p13.3.
Variant type: single nucleotide variant.
Coding change: c.4163G>A on transcript NM_014714.4 (MANE Select); coding-DNA position 4163, G replaced by A.
Protein change: p.Arg1388Gln; replaces arginine 1388 with glutamine.
Molecular consequence: missense variant.
Genome position (GRCh38, 1-based): chr16:1,518,235, C>T on the plus strand (G>A on the coding strand, the complement: IFT140 is on the minus strand). VCF-style: chr16-1518235-C-T. GRCh37 (hg19) VCF-style: chr16-1568236-C-T.
Other names: short protein forms R1388Q.
Identifiers: ClinVar variation 938528 (VCV000938528.10), dbSNP rs369058620, ClinGen allele CA7812886.
Genomic context (GRCh38, chr16:1,518,235, plus strand): 5'-GTGTGGCGGGATGCTGCTAGTGAGCAGCACTCAGGCCTCACCGTCTGGTATTCCTCCTTC[C>T]GCACGTAGTGCTCCACCAGGAAGCCATAGACGTCCCCGATGCGGATGGTGCTGTCCAGGT-3'
Protein context (NP_055529.2, residues 1378-1398): VYGFLVEHYV[Arg1388Gln]KEEYQTAYRF

ClinVar aggregate classification (germline): Conflicting classifications of pathogenicity. Review status: criteria provided, conflicting classifications (1 of 4 stars). 2 submissions from 2 submitters: Uncertain significance (1); Likely benign (1). Last evaluated 2024-01-29.

Conditions:
Saldino-Mainzer syndrome (SRTD9). Also called: CONORENAL SYNDROME; SHORT-RIB THORACIC DYSPLASIA 9 WITHOUT POLYDACTYLY; short-rib thoracic dysplasia 9 with or without polydactyly; Renal dysplasia, retinal pigmentary dystrophy, cerebellar ataxia and skeletal dysplasia. Identifiers: Orphanet 140969, MedGen C1849437, MONDO:0009964, OMIM 266920.
Inborn genetic diseases. Identifiers: MedGen C0950123, MeSH D030342.

Allele frequency attached by ClinVar (database versions not stated): gnomAD exomes 0.00001 and 0.00002; ExAC 0.00003; gnomAD 0.00003 and 0.00004; TOPMed 0.00005; ESP Exome Variant Server 0.00008.
gnomAD v4.1: 26 of 1,613,690 alleles (0.0016%); highest among the groups gnomAD compares: African/African-American, 0.0093%; no homozygotes.

Submissions (2):

Ambry Genetics
Classification: Likely benign for Inborn genetic diseases. Last evaluated: 2024-01-29. Review status: criteria provided, single submitter. Criteria: Ambry Variant Classification Scheme 2023. Collection method: clinical testing. Allele origin: germline.

Labcorp Genetics (formerly Invitae), Labcorp
Classification: Uncertain significance for Saldino-Mainzer syndrome. Last evaluated: 2022-07-09. Review status: criteria provided, single submitter. Criteria: Invitae Variant Classification Sherloc (09022015). Collection method: clinical testing. Allele origin: germline.
Comment: In summary, the available evidence is currently insufficient to determine the role of this variant in disease. Therefore, it has been classified as a Variant of Uncertain Significance. Algorithms developed to predict the effect of missense changes on protein structure and function output the following: SIFT: "Tolerated"; PolyPhen-2: "Benign"; Align-GVGD: "Class C0". The glutamine amino acid residue is found in multiple mammalian species, which suggests that this missense change does not adversely affect protein function. ClinVar contains an entry for this variant (Variation ID: 938528). This variant has not been reported in the literature in individuals affected with IFT140-related conditions. This variant is present in population databases (rs369058620, gnomAD 0.007%). This sequence change replaces arginine, which is basic and polar, with glutamine, which is neutral and polar, at codon 1388 of the IFT140 protein (p.Arg1388Gln).